The following is an entry in ClinVar:

ClinVar aggregate classification (germline): Uncertain significance (1 of 4 stars; one submission).

Conditions:
Developmental and epileptic encephalopathy 94 (DEE94). Also called: Epileptic encephalopathy, childhood-onset; CHD2-Related Neurodevelopmental Disorders. Identifiers: Orphanet 1942, Orphanet 2382, MedGen C3809278, MONDO:0014150, OMIM 615369.

Submission:

Labcorp Genetics (formerly Invitae), Labcorp
Classification: Uncertain significance for Developmental and epileptic encephalopathy 94. Last evaluated: 2024-11-02. Review status: criteria provided, single submitter. Criteria: Invitae Variant Classification Sherloc (09022015). Collection method: clinical testing. Allele origin: germline.
Comment: This sequence change falls in intron 38 of the CHD2 gene. It does not directly change the encoded amino acid sequence of the CHD2 protein. It affects a nucleotide within the consensus splice site. This variant is not present in population databases (gnomAD no frequency). This variant has not been reported in the literature in individuals affected with CHD2-related conditions. Variants that disrupt the consensus splice site are a relatively common cause of aberrant splicing (PMID: 17576681, 9536098). Algorithms developed to predict the effect of sequence changes on RNA splicing suggest that this variant may disrupt the consensus splice site. In summary, the available evidence is currently insufficient to determine the role of this variant in disease. Therefore, it has been classified as a Variant of Uncertain Significance.

Literature cited by the submitters: PubMed 17576681; PubMed 9536098.

NM_001271.4(CHD2):c.5153+3A>T

Gene: CHD2 (chromodomain helicase DNA binding protein 2; plus strand). Cytogenetic location: 15q26.1.
Variant type: single nucleotide variant.
Coding change: c.5153+3A>T on transcript NM_001271.4 (MANE Select); 3 bases into the intron after coding-DNA position 5153, A replaced by T.
Molecular consequence: intron variant.
Genome position (GRCh38, 1-based): chr15:93,020,261, A>T. VCF-style: chr15-93020261-A-T. GRCh37 (hg19) VCF-style: chr15-93563491-A-T.
Identifiers: ClinVar variation 3636699 (VCV003636699.2).